The following is an entry in ClinVar:

NM_002386.4(MC1R):c.912G>C (p.Glu304Asp)

Gene: MC1R (melanocortin 1 receptor; plus strand). Cytogenetic location: 16q24.3.
Variant type: single nucleotide variant.
Coding change: c.912G>C on transcript NM_002386.4 (MANE Select); coding-DNA position 912, G replaced by C.
Protein change: p.Glu304Asp; replaces glutamic acid 304 with aspartic acid.
Molecular consequence: missense variant.
Genome position (GRCh38, 1-based): chr16:89,920,170, G>C. VCF-style: chr16-89920170-G-C. GRCh37 (hg19) VCF-style: chr16-89986578-G-C.
Other names: short protein forms E304D.
Identifiers: ClinVar variation 3543992 (VCV003543992.1).
Genomic context (GRCh38, chr16:89,920,170, plus strand): 5'-CGCCCTCATCATCTGCAATGCCATCATCGACCCCCTCATCTACGCCTTCCACAGCCAGGA[G>C]CTCCGCAGGACGCTCAAGGAGGTGCTGACATGCTCCTGGTGAGCGCGGTGCACGCGGCTT-3'
Protein context (NP_002377.4, residues 294-314): DPLIYAFHSQ[Glu304Asp]LRRTLKEVLT

ClinVar aggregate classification (germline): Uncertain significance (1 of 4 stars; one submission).

Submission:

Ambry Genetics
Classification: Uncertain significance. Last evaluated: 2024-12-07. Review status: criteria provided, single submitter. Criteria: Ambry Variant Classification Scheme 2023. Collection method: clinical testing. Allele origin: germline.
Comment: The p.E304D variant (also known as c.912G>C), located in coding exon 1 of the MC1R gene, results from a G to C substitution at nucleotide position 912. The glutamic acid at codon 304 is replaced by aspartic acid, an amino acid with highly similar properties. This amino acid position is conserved. In addition, this alteration is predicted to be tolerated by in silico analysis. Based on the available evidence, the clinical significance of this variant remains unclear.